The following is an entry in ClinVar:

NM_006180.6(NTRK2):c.1433G>A (p.Arg478Lys)

Gene: NTRK2 (neurotrophic receptor tyrosine kinase 2; plus strand). Cytogenetic location: 9q21.33.
Variant type: single nucleotide variant.
Coding change: c.1433G>A on transcript NM_006180.6 (MANE Select); coding-DNA position 1433, G replaced by A.
Protein change: p.Arg478Lys; replaces arginine 478 with lysine.
Molecular consequence: missense variant. On other transcripts: intron variant (7).
Genome position (GRCh38, 1-based): chr9:84,861,076, G>A. VCF-style: chr9-84861076-G-A. GRCh37 (hg19) VCF-style: chr9-87475991-G-A.
Other names: c.1433G>A (NM_006180.4); c.1433G>A, p.Arg478Lys (NM_001018065.2, NM_001369537.1, NM_001381928.1); c.965G>A, p.Arg322Lys (NM_001369536.1); c.1397-6167G>A (NM_001369532.1, NM_001369533.1, NM_001018066.3 and 2 more transcripts); c.1361-6167G>A (NM_001369534.1); c.929-6167G>A (NM_001369535.1); short protein forms R478K, R322K.
Identifiers: ClinVar variation 1952468 (VCV001952468.6), dbSNP rs1052936605, ClinGen allele CA195790606.

ClinVar aggregate classification (germline): Uncertain significance. Review status: criteria provided, multiple submitters, no conflicts (2 of 4 stars). 2 submissions from 2 submitters: Uncertain significance (2). Last evaluated 2025-10-01.

Conditions:
NTRK2-related disorder. Also called: NTRK2-related condition.

Allele frequency attached by ClinVar (database versions not stated): gnomAD exomes below 0.00001; gnomAD 0.00002; TOPMed 0.00002.
gnomAD v4.1: 4 of 1,612,788 alleles (0.00025%); highest among the groups gnomAD compares: African/African-American, 0.0053%; no homozygotes.

Submissions (2):

Labcorp Genetics (formerly Invitae), Labcorp
Classification: Uncertain significance. Last evaluated: 2025-10-01. Review status: criteria provided, single submitter. Criteria: Invitae Variant Classification Sherloc (09022015). Collection method: clinical testing. Allele origin: germline.
Comment: This sequence change replaces arginine, which is basic and polar, with lysine, which is basic and polar, at codon 478 of the NTRK2 protein (p.Arg478Lys). This variant is not present in population databases (gnomAD no frequency). This variant has not been reported in the literature in individuals affected with NTRK2-related conditions. ClinVar contains an entry for this variant (Variation ID: 1952468). Invitae Evidence Modeling of protein sequence and biophysical properties (such as structural, functional, and spatial information, amino acid conservation, physicochemical variation, residue mobility, and thermodynamic stability) indicates that this missense variant is expected to disrupt NTRK2 protein function with a positive predictive value of 95%. Algorithms developed to predict the effect of sequence changes on RNA splicing suggest that this variant may disrupt the consensus splice site. In summary, the available evidence is currently insufficient to determine the role of this variant in disease. Therefore, it has been classified as a Variant of Uncertain Significance.

PreventionGenetics, part of Exact Sciences
Classification: Uncertain significance for NTRK2-related condition. Last evaluated: 2022-10-12. Review status: criteria provided, single submitter. Criteria: ACMG Guidelines, 2015. Collection method: clinical testing. Allele origin: germline.
Comment: The NTRK2 c.1433G>A variant is predicted to result in the amino acid substitution p.Arg478Lys. To our knowledge, this variant has not been reported in the literature or in a large population database, indicating this variant is rare. At this time, the clinical significance of this variant is uncertain due to the absence of conclusive functional and genetic evidence.